The following is an entry in ClinVar:

NM_001018113.3(FANCB):c.1605C>G (p.Phe535Leu)

Gene: FANCB (FA complementation group B; minus strand). Cytogenetic location: Xp22.2.
Variant type: single nucleotide variant.
Coding change: c.1605C>G on transcript NM_001018113.3 (MANE Select); coding-DNA position 1605, C replaced by G.
Protein change: p.Phe535Leu; replaces phenylalanine 535 with leucine.
Molecular consequence: missense variant.
Genome position (GRCh38, 1-based): chrX:14,845,178, G>C on the plus strand (C>G on the coding strand, the complement: FANCB is on the minus strand). VCF-style: chrX-14845178-G-C. GRCh37 (hg19) VCF-style: chrX-14863300-G-C.
Other names: c.1605C>G, p.Phe535Leu (NM_001324162.2, NM_152633.4); short protein forms F535L.
Identifiers: ClinVar variation 526392 (VCV000526392.8), dbSNP rs1555904458, ClinGen allele CA412440261.
Genomic context (GRCh38, chrX:14,845,178, plus strand): 5'-GGTCAACGTGACCCTTTTTGCTTCCAATCCTATTTCACATGGCATCAAGTATGGTGCTGG[G>C]AAAGGATTTGTACTCAACTTAATCACCCTATTTTGACACTTTAGAAGCCGAAATCTGGAG-3'
Protein context (NP_001018123.1, residues 525-545): NRVIKLSTNP[Phe535Leu]PAPYLMPCEI

ClinVar aggregate classification (germline): Uncertain significance (1 of 4 stars; one submission).

Conditions:
Fanconi anemia (FA). Also called: Fanconi's anemia. Identifiers: Orphanet 84, MedGen C0015625, MeSH D005199, MONDO:0019391.

Submission:

Labcorp Genetics (formerly Invitae), Labcorp
Classification: Uncertain significance for Fanconi anemia. Last evaluated: 2017-09-10. Review status: criteria provided, single submitter. Criteria: Invitae Variant Classification Sherloc (09022015). Collection method: clinical testing. Allele origin: germline.
Comment: In summary, the available evidence is currently insufficient to determine the role of this variant in disease. Therefore, it has been classified as a Variant of Uncertain Significance. Algorithms developed to predict the effect of missense changes on protein structure and function output the following: SIFT: "Tolerated"; PolyPhen-2: "Benign"; Align-GVGD: "Class C0". The leucine amino acid residue is found in multiple mammalian species, suggesting that this missense change does not adversely affect protein function. These predictions have not been confirmed by published functional studies and their clinical significance is uncertain. This variant has not been reported in the literature in individuals with FANCB-related disease. This variant is not present in population databases (ExAC no frequency). This sequence change replaces phenylalanine with leucine at codon 535 of the FANCB protein (p.Phe535Leu). The phenylalanine residue is moderately conserved and there is a small physicochemical difference between phenylalanine and leucine.